The following is an entry in ClinVar:

ClinVar aggregate classification (germline): Uncertain significance. Review status: criteria provided, single submitter (1 of 4 stars). 2 submissions from 2 submitters: Uncertain significance (1). 1 of the submissions does not count toward it. Last evaluated 2025-10-29.

Conditions:
Anauxetic dysplasia. Identifiers: Orphanet 93347, MedGen C1846796, MONDO:0011773.
Metaphyseal chondrodysplasia, McKusick type (CHH). Also called: Cartilage-hair hypoplasia; Cartilage-Hair Hypoplasia (CHH). Identifiers: Orphanet 175, MedGen C0220748, MONDO:0009595, OMIM 250250.

Allele frequency attached by ClinVar (database versions not stated): gnomAD 0.00002 and 0.00004; gnomAD exomes 0.00002 and 0.00007; TOPMed 0.00003; 1000 Genomes Project 30x 0.00016; 1000 Genomes Project 0.00020.
gnomAD v4.1: 43 of 693,776 alleles (0.0062%); highest among the groups gnomAD compares: East Asian, 0.091%; 2 homozygotes.

Submissions (2):

Labcorp Genetics (formerly Invitae), Labcorp
Classification: Uncertain significance for Anauxetic dysplasia. Last evaluated: 2025-10-29. Review status: criteria provided, single submitter. Criteria: Invitae Variant Classification Sherloc (09022015). Collection method: clinical testing. Allele origin: germline.
Comment: This variant occurs in the RMRP gene, which encodes an RNA molecule that does not result in a protein product. This variant is present in population databases (rs565056797, gnomAD 0.01%). This variant has not been reported in the literature in individuals affected with RMRP-related conditions. ClinVar contains an entry for this variant (Variation ID: 968275). Experimental studies and prediction algorithms are not available or were not evaluated, and the functional significance of this variant is currently unknown. In summary, the available evidence is currently insufficient to determine the role of this variant in disease. Therefore, it has been classified as a Variant of Uncertain Significance.

Natera, Inc.
Classification: Uncertain significance for Cartilage-hair hypoplasia. Last evaluated: 2020-08-12. Review status: no assertion criteria provided. Collection method: clinical testing. Allele origin: germline. Not counted in ClinVar's aggregate classification.

NR_003051.4(RMRP):n.174C>T

Gene: RMRP (RNA component of mitochondrial RNA processing endoribonuclease; minus strand). Cytogenetic location: 9p13.3.
Variant type: single nucleotide variant.
Genome position: GRCh38 VCF-style: chr9-35657846-G-A. GRCh37 (hg19) VCF-style: chr9-35657843-G-A.
Identifiers: ClinVar variation 968275 (VCV000968275.8), dbSNP rs565056797, ClinGen allele CA192745587.